The following is an entry in ClinVar:

NM_016239.4(MYO15A):c.4964A>G (p.Tyr1655Cys)

Gene: MYO15A (myosin XVA; plus strand). Cytogenetic location: 17p11.2.
Variant type: single nucleotide variant.
Coding change: c.4964A>G on transcript NM_016239.4 (MANE Select); coding-DNA position 4964, A replaced by G.
Protein change: p.Tyr1655Cys; replaces tyrosine 1655 with cysteine.
Molecular consequence: missense variant.
Genome position (GRCh38, 1-based): chr17:18,138,203, A>G. VCF-style: chr17-18138203-A-G. GRCh37 (hg19) VCF-style: chr17-18041517-A-G.
Other names: short protein forms Y1655C.
Identifiers: ClinVar variation 2498696 (VCV002498696.28), dbSNP rs2545244730, ClinGen allele CA398597563.
Genomic context (GRCh38, chr17:18,138,203, plus strand): 5'-GGCAGGAGATCACCTTTGCTGACAACCAGCCCTGCATCAACCTCATCTCACTGAAGCCTT[A>G]TGGCATCCTGCGGATCCTTGACGACCAGTGTTGCTTTCCCCAGGTGAGCCGCAGGCACTG-3'
Protein context (NP_057323.3, residues 1645-1665): PCINLISLKP[Tyr1655Cys]GILRILDDQC

ClinVar aggregate classification (germline): Uncertain significance (1 of 4 stars; one submission).

Allele frequency attached by ClinVar (database versions not stated): gnomAD exomes below 0.00001.

Submission:

CeGaT Center for Human Genetics Tuebingen
Classification: Uncertain significance. Last evaluated: 2023-02-01. Review status: criteria provided, single submitter. Criteria: CeGaT Center For Human Genetics Tuebingen Variant Classification Criteria Version 2. Collection method: clinical testing. Allele origin: germline. Affected: yes. Observed: 1 variant allele.
Comment: MYO15A: PM2